The following is an entry in ClinVar:

NM_024598.4(USB1):c.791T>G (p.Leu264Trp)

Gene: USB1 (U6 snRNA biogenesis phosphodiesterase 1; plus strand). Cytogenetic location: 16q21.
Variant type: single nucleotide variant.
Coding change: c.791T>G on transcript NM_024598.4 (MANE Select); coding-DNA position 791, T replaced by G.
Protein change: p.Leu264Trp; replaces leucine 264 with tryptophan.
Molecular consequence: missense variant.
Genome position (GRCh38, 1-based): chr16:58,020,238, T>G. VCF-style: chr16-58020238-T-G. GRCh37 (hg19) VCF-style: chr16-58054142-T-G.
Other names: c.737T>G, p.Leu246Trp (NM_001195302.2); c.638T>G, p.Leu213Trp (NM_001330568.2); short protein forms L213W, L264W, L246W.
Identifiers: ClinVar variation 4634198 (VCV004634198.1).
Genomic context (GRCh38, chr16:58,020,238, plus strand): 5'-TGCGCGTGCACACTGAGCAAGTCCGCTGCAAGTCTGGGAACAAGTTCTTCTCGATGCCTT[T>G]GAAGTGAGCACCAGAGGCCTTCCTCCTCCAGGGCCCTCTGCAGACCAGGCTGAGATGGAG-3'
Protein context (NP_078874.2, residues 254-265): KSGNKFFSMP[Leu264Trp]K

ClinVar aggregate classification (germline): Uncertain significance (1 of 4 stars; one submission).

Conditions:
Inborn genetic diseases. Identifiers: MedGen C0950123, MeSH D030342.

gnomAD v4.1: 1 of 1,614,130 alleles (0.000062%); no homozygotes.

Submission:

Ambry Genetics
Classification: Uncertain significance for Inborn genetic diseases. Last evaluated: 2025-10-27. Review status: criteria provided, single submitter. Criteria: Ambry Variant Classification Scheme 2023. Collection method: clinical testing. Allele origin: germline.
Comment: The p.L264W variant (also known as c.791T>G), located in coding exon 7 of the USB1 gene, results from a T to G substitution at nucleotide position 791. The leucine at codon 264 is replaced by tryptophan, an amino acid with similar properties. This amino acid position is conserved. In addition, the in silico prediction for this alteration is inconclusive. Based on the available evidence, the clinical significance of this variant remains unclear.